The following is an entry in ClinVar:

ClinVar aggregate classification (germline): Uncertain significance (1 of 4 stars; one submission).

Conditions:
Dilated cardiomyopathy 1HH (CMD1HH). Identifiers: Orphanet 154, MedGen C3151293, MONDO:0013479, OMIM 613881.
Myofibrillar myopathy 6. Identifiers: Orphanet 199340, MedGen C2751831, MONDO:0013061, OMIM 612954.

Submission:

Labcorp Genetics (formerly Invitae), Labcorp
Classification: Uncertain significance for Dilated cardiomyopathy 1HH; Myofibrillar myopathy 6. Last evaluated: 2024-06-18. Review status: criteria provided, single submitter. Criteria: Invitae Variant Classification Sherloc (09022015). Collection method: clinical testing. Allele origin: germline.
Comment: This sequence change replaces leucine, which is neutral and non-polar, with proline, which is neutral and non-polar, at codon 494 of the BAG3 protein (p.Leu494Pro). This variant is not present in population databases (gnomAD no frequency). This variant has not been reported in the literature in individuals affected with BAG3-related conditions. Advanced modeling of protein sequence and biophysical properties (such as structural, functional, and spatial information, amino acid conservation, physicochemical variation, residue mobility, and thermodynamic stability) performed at Invitae indicates that this missense variant is expected to disrupt BAG3 protein function with a positive predictive value of 80%. In summary, the available evidence is currently insufficient to determine the role of this variant in disease. Therefore, it has been classified as a Variant of Uncertain Significance.

NM_004281.4(BAG3):c.1481T>C (p.Leu494Pro)

Gene: BAG3 (BAG cochaperone 3; plus strand). Cytogenetic location: 10q26.11.
Variant type: single nucleotide variant.
Coding change: c.1481T>C on transcript NM_004281.4 (MANE Select); coding-DNA position 1481, T replaced by C.
Protein change: p.Leu494Pro; replaces leucine 494 with proline.
Molecular consequence: missense variant.
Genome position (GRCh38, 1-based): chr10:119,677,035, T>C. VCF-style: chr10-119677035-T-C. GRCh37 (hg19) VCF-style: chr10-121436547-T-C.
Other names: short protein forms L494P.
Identifiers: ClinVar variation 2945722 (VCV002945722.3), dbSNP rs2494024242, ClinGen allele CA378297414.